The following is an entry in ClinVar:

NM_007294.4(BRCA1):c.5193+7A>C

Gene: BRCA1 (BRCA1 DNA repair associated; minus strand). Cytogenetic location: 17q21.31.
Variant type: single nucleotide variant.
Coding change: c.5193+7A>C on transcript NM_007294.4 (MANE Select); 7 bases into the intron after coding-DNA position 5193, A replaced by C.
Molecular consequence: intron variant.
Genome position (GRCh38, 1-based): chr17:43,063,326, T>G on the plus strand (A>C on the coding strand, the complement: BRCA1 is on the minus strand). VCF-style: chr17-43063326-T-G. GRCh37 (hg19) VCF-style: chr17-41215343-T-G.
Other names: c.5190+7A>C (NM_001407625.1, NM_001407619.1, NM_001407610.1 and 17 more transcripts); c.5193+7A>C (NM_001407684.1, NM_001407594.1, NM_001407593.1 and 7 more transcripts); c.5256+7A>C (NM_001407583.1, NM_001407587.1, NM_001407585.1 and 1 more transcripts); c.5052+7A>C (NM_001407724.1, NM_001407697.1, NM_001407728.1 and 13 more transcripts); c.5046+7A>C (NM_001407838.1, NM_001407848.1, NM_001407839.1 and 12 more transcripts); c.1809+7A>C (NM_001408410.1); c.5049+7A>C (NM_001407741.1, NM_001407747.1, NM_001407745.1 and 21 more transcripts); c.1803+7A>C (NM_001408415.1, NM_001408412.1, NM_001408413.1 and 2 more transcripts); and 72 more.
Identifiers: ClinVar variation 865111 (VCV000865111.3), dbSNP rs2051852538, ClinGen allele CA916080031.

Conditions:
Breast-ovarian cancer, familial, susceptibility to, 1 (BROVCA1). Also called: BRCA1 Hereditary Breast and Ovarian Cancer; OVARIAN CANCER, SUSCEPTIBILITY TO. Identifiers: Orphanet 145, MedGen C2676676, MONDO:0011450, OMIM 604370. Disease mechanism: loss of function.

Submission:

Brotman Baty Institute, University of Washington
No classification provided (evidence only). Condition: Breast-ovarian cancer, familial 1. Review status: no classification provided. Collection method: in vitro. Allele origin: not applicable. Functional consequence: functionally_normal.
ClinVar note: "not provided" was previously submitted as the classification for the variant. However, the classification appeared to be based only on an observation of functional data so it was converted to no classification on 2025-07-30.